The following is an entry in ClinVar:

NM_001382430.1(AKT1):c.433G>A (p.Val145Met)

Gene: AKT1 (AKT serine/threonine kinase 1; minus strand). Cytogenetic location: 14q32.33.
Variant type: single nucleotide variant.
Coding change: c.433G>A on transcript NM_001382430.1 (MANE Select); coding-DNA position 433, G replaced by A.
Protein change: p.Val145Met; replaces valine 145 with methionine.
Molecular consequence: missense variant.
Genome position (GRCh38, 1-based): chr14:104,775,654, C>T on the plus strand (G>A on the coding strand, the complement: AKT1 is on the minus strand). VCF-style: chr14-104775654-C-T. GRCh37 (hg19) VCF-style: chr14-105241991-C-T.
Other names: c.433G>A, p.Val145Met (NM_001014431.2, NM_001014432.2, NM_001382431.1 and 3 more transcripts); short protein forms V145M.
Identifiers: ClinVar variation 2144548 (VCV002144548.4), dbSNP rs1166659979, ClinGen allele CA391219908.

ClinVar aggregate classification (germline): Uncertain significance (1 of 4 stars; one submission).

Conditions:
Cowden syndrome 6 (CWS6). Identifiers: Orphanet 201, MedGen C3554519, MONDO:0014048, OMIM 615109.

Allele frequency attached by ClinVar (database versions not stated): gnomAD 0.00001.
gnomAD v4.1: 1 of 1,613,744 alleles (0.000062%); highest among the groups gnomAD compares: Non-Finnish European, 0.000085%; no homozygotes.

Submission:

Labcorp Genetics (formerly Invitae), Labcorp
Classification: Uncertain significance for Cowden syndrome 6. Last evaluated: 2022-10-07. Review status: criteria provided, single submitter. Criteria: Invitae Variant Classification Sherloc (09022015). Collection method: clinical testing. Allele origin: germline.
Comment: This sequence change replaces valine, which is neutral and non-polar, with methionine, which is neutral and non-polar, at codon 145 of the AKT1 protein (p.Val145Met). This variant is present in population databases (no rsID available, gnomAD 0.007%). This variant has not been reported in the literature in individuals affected with AKT1-related conditions. Algorithms developed to predict the effect of missense changes on protein structure and function are either unavailable or do not agree on the potential impact of this missense change (SIFT: "Deleterious"; PolyPhen-2: "Benign"; Align-GVGD: "Class C0"). In summary, the available evidence is currently insufficient to determine the role of this variant in disease. Therefore, it has been classified as a Variant of Uncertain Significance.